The following is an entry in ClinVar:

ClinVar aggregate classification (germline): Likely benign (1 of 4 stars; one submission).

Submission:

CeGaT Center for Human Genetics Tuebingen
Classification: Likely benign. Last evaluated: 2026-07-01. Review status: criteria provided, single submitter. Criteria: CeGaT Center For Human Genetics Tuebingen Variant Classification Criteria Version 2. Collection method: clinical testing. Allele origin: germline. Affected: yes. Observed: 1 variant allele.
Comment: FAT4: PM2:Supporting, BP4, BP7

NM_001291303.3(FAT4):c.8634C>G (p.Ser2878=)

Gene: FAT4 (FAT atypical cadherin 4; plus strand). Cytogenetic location: 4q28.1.
Variant type: single nucleotide variant.
Coding change: c.8634C>G on transcript NM_001291303.3 (MANE Select); coding-DNA position 8634, C replaced by G.
Protein change: p.Ser2878=; no amino-acid change (serine 2878 retained).
Molecular consequence: synonymous variant.
Genome position (GRCh38, 1-based): chr4:125,449,644, C>G. VCF-style: chr4-125449644-C-G. GRCh37 (hg19) VCF-style: chr4-126370799-C-G.
Other names: c.8634C>G, p.Ser2878= (NM_001291285.3, NM_001438396.1, NM_001438397.1); c.3405C>G, p.Ser1135= (NM_001437895.1); c.8628C>G, p.Ser2876= (NM_024582.6).
Identifiers: ClinVar variation 5040234 (VCV005040234.1).